The following is an entry in ClinVar:

ClinVar aggregate classification (germline): Uncertain significance. Review status: criteria provided, multiple submitters, no conflicts (2 of 4 stars). 2 submissions from 2 submitters: Uncertain significance (2). Last evaluated 2023-06-21.

Conditions:
Inborn genetic diseases. Identifiers: MedGen C0950123, MeSH D030342.

Allele frequency attached by ClinVar (database versions not stated): ExAC 0.00002; 1000 Genomes Project 0.00020; 1000 Genomes Project 30x 0.00031.
gnomAD v4.1: 11 of 1,613,758 alleles (0.00068%); highest among the groups gnomAD compares: African/African-American, 0.015%; no homozygotes.

Submissions (2):

Ambry Genetics
Classification: Uncertain significance for Inborn genetic diseases. Last evaluated: 2023-06-21. Review status: criteria provided, single submitter. Criteria: Ambry Variant Classification Scheme 2023. Collection method: clinical testing. Allele origin: germline.

Labcorp Genetics (formerly Invitae), Labcorp
Classification: Uncertain significance. Last evaluated: 2021-12-12. Review status: criteria provided, single submitter. Criteria: Invitae Variant Classification Sherloc (09022015). Collection method: clinical testing. Allele origin: germline.
Comment: This variant has not been reported in the literature in individuals affected with LAMA1-related conditions. This variant is present in population databases (rs200862963, gnomAD 0.02%). This sequence change replaces aspartic acid, which is acidic and polar, with histidine, which is basic and polar, at codon 1429 of the LAMA1 protein (p.Asp1429His). Algorithms developed to predict the effect of missense changes on protein structure and function (SIFT, PolyPhen-2, Align-GVGD) all suggest that this variant is likely to be tolerated. In summary, the available evidence is currently insufficient to determine the role of this variant in disease. Therefore, it has been classified as a Variant of Uncertain Significance.

NM_005559.4(LAMA1):c.4285G>C (p.Asp1429His)

Gene: LAMA1 (laminin subunit alpha 1; minus strand). Cytogenetic location: 18p11.31.
Variant type: single nucleotide variant.
Coding change: c.4285G>C on transcript NM_005559.4 (MANE Select); coding-DNA position 4285, G replaced by C.
Protein change: p.Asp1429His; replaces aspartic acid 1429 with histidine.
Molecular consequence: missense variant.
Genome position (GRCh38, 1-based): chr18:7,002,361, C>G on the plus strand (G>C on the coding strand, the complement: LAMA1 is on the minus strand). VCF-style: chr18-7002361-C-G. GRCh37 (hg19) VCF-style: chr18-7002360-C-G.
Other names: c.4285G>C (NM_005559.3); short protein forms D1429H.
Identifiers: ClinVar variation 2151317 (VCV002151317.6), dbSNP rs200862963, ClinGen allele CA8881950.